The following is an entry in ClinVar:

NM_001184880.2(PCDH19):c.2522G>A (p.Arg841His)

Genes: PCDH19 (protocadherin 19; minus strand), LOC125467768 (CDK7 strongly-dependent group 2 enhancer GRCh37_chrX:99657381-99658580; plus strand). Cytogenetic location: Xq22.1.
Variant type: single nucleotide variant.
Coding change: c.2522G>A on transcript NM_001184880.2 (MANE Select); coding-DNA position 2522, G replaced by A.
Protein change: p.Arg841His; replaces arginine 841 with histidine.
Molecular consequence: missense variant.
Genome position (GRCh38, 1-based): chrX:100,402,618, C>T on the plus strand (G>A on the coding strand, the complement: PCDH19 is on the minus strand). VCF-style: chrX-100402618-C-T. GRCh37 (hg19) VCF-style: chrX-99657616-C-T.
Other names: p.R794H:CGC>CAC; c.2381G>A, p.Arg794His (NM_001105243.2, NM_020766.3); short protein forms R794H, R841H.
Identifiers: ClinVar variation 206302 (VCV000206302.18), dbSNP rs756818874, ClinGen allele CA316263.

ClinVar aggregate classification (germline): Conflicting classifications of pathogenicity. Review status: criteria provided, conflicting classifications (1 of 4 stars). 4 submissions from 4 submitters: Uncertain significance (3); Likely benign (1). Last evaluated 2026-01-14.

Conditions:
Developmental and epileptic encephalopathy, 9 (DEE9). Also called: Early infantile epileptic encephalopathy 9; EPILEPSY, FEMALE-RESTRICTED, WITH MENTAL RETARDATION; PCDH19-Related X-Linked Female-Limited Epilepsy with Mental Retardation; JUBERG-HELLMAN SYNDROME. Identifiers: Orphanet 101039, Orphanet 2076, MedGen C1848137, MONDO:0010246, OMIM 300088. Disease mechanism: loss of function.

Allele frequency attached by ClinVar (database versions not stated): gnomAD exomes 0.00004; TOPMed 0.00007; gnomAD 0.00009; ExAC 0.00002.
gnomAD v4.1: 92 of 1,209,576 alleles (0.0076%); highest among the groups gnomAD compares: Non-Finnish European, 0.0096%; no homozygotes.

Submissions (4):

Women's Health and Genetics/Laboratory Corporation of America, LabCorp
Classification: Uncertain significance. Last evaluated: 2026-01-14. Review status: criteria provided, single submitter. Criteria: LabCorp Variant Classification Summary - May 2015. Collection method: clinical testing. Allele origin: germline.
Comment: Variant summary: PCDH19 c.2522G>A (p.Arg841His) results in a non-conservative amino acid change in the encoded protein sequence. Algorithms developed to predict the effect of missense changes on protein structure and function are either unavailable or do not agree on the potential impact of this missense change. The variant allele was found at a frequency of 3.9e-05 in 181598 control chromosomes. The available data on variant occurrences in the general population are insufficient to allow any conclusion about variant significance. These data do not allow any conclusion about variant significance. To our knowledge, no experimental evidence demonstrating an impact on protein function has been reported. ClinVar contains an entry for this variant (Variation ID: 206302). Based on the evidence outlined above, the variant was classified as uncertain significance.

Labcorp Genetics (formerly Invitae), Labcorp
Classification: Uncertain significance for Developmental and epileptic encephalopathy, 9. Last evaluated: 2025-12-10. Review status: criteria provided, single submitter. Criteria: Invitae Variant Classification Sherloc (09022015). Collection method: clinical testing. Allele origin: germline.
Comment: This sequence change replaces arginine, which is basic and polar, with histidine, which is basic and polar, at codon 841 of the PCDH19 protein (p.Arg841His). This variant is present in population databases (rs756818874, gnomAD 0.02%). This missense change has been observed in individual(s) with clinical features of epileptic encephalopathy with cerebellar atrophy (internal data). ClinVar contains an entry for this variant (Variation ID: 206302). Invitae Evidence Modeling of protein sequence and biophysical properties (such as structural, functional, and spatial information, amino acid conservation, physicochemical variation, residue mobility, and thermodynamic stability) indicates that this missense variant is not expected to disrupt PCDH19 protein function with a negative predictive value of 95%. In summary, the available evidence is currently insufficient to determine the role of this variant in disease. Therefore, it has been classified as a Variant of Uncertain Significance.

GeneDx
Classification: Likely benign. Last evaluated: 2021-03-29. Review status: criteria provided, single submitter. Criteria: GeneDx Variant Classification Process June 2021. Collection method: clinical testing. Allele origin: germline. Affected: yes.

Eurofins Ntd Llc (ga)
Classification: Uncertain significance. Last evaluated: 2017-08-01. Review status: criteria provided, single submitter. Criteria: EGL Classification Definitions 2015. Collection method: clinical testing. Allele origin: germline. Observed: 6 variant alleles, 5 heterozygotes, 1 hemizygote.